The following is an entry in ClinVar:

NM_000552.5(VWF):c.4892G>A (p.Gly1631Asp)

Gene: VWF (von Willebrand factor; minus strand). Cytogenetic location: 12p13.31.
Variant type: single nucleotide variant.
Coding change: c.4892G>A on transcript NM_000552.5 (MANE Select); coding-DNA position 4892, G replaced by A.
Protein change: p.Gly1631Asp; replaces glycine 1631 with aspartic acid.
Molecular consequence: missense variant.
Genome position (GRCh38, 1-based): chr12:6,018,526, C>T on the plus strand (G>A on the coding strand, the complement: VWF is on the minus strand). VCF-style: chr12-6018526-C-T. GRCh37 (hg19) VCF-style: chr12-6127692-C-T.
Other names: p.G1631D; c.4892G>A (NM_000552.3); short protein forms G1631D.
Identifiers: ClinVar variation 1342155 (VCV001342155.5), dbSNP rs2136411659, ClinGen allele CA383498752.

ClinVar aggregate classification (germline): Pathogenic/Likely pathogenic. Review status: criteria provided, multiple submitters, no conflicts (2 of 4 stars). 3 submissions from 3 submitters: Pathogenic (1); Likely pathogenic (1). 1 of the submissions does not count toward it. Last evaluated 2021-12-09.

Conditions:
von Willebrand disease type 2 (VWD2). Also called: VON WILLEBRAND DISEASE, TYPE II; VON WILLEBRAND DISEASE, TYPE 2A/IIE; VON WILLEBRAND DISEASE, TYPE 2CB; VWD, TYPE 2. Identifiers: Orphanet 166081, Orphanet 903, MedGen C1264040, MONDO:0013304, OMIM 613554.
von Willebrand disease type 1 (VWD1). Also called: VON WILLEBRAND DISEASE, TYPE I; VWD, TYPE 1. Identifiers: Orphanet 166078, Orphanet 903, MedGen C1264039, MONDO:0008668, OMIM 193400. Inheritance: autosomal recessive or autosomal dominant.

Submissions (3):

Centre of Medical Genetics, University Hospital Muenster
Classification: Likely pathogenic for von Willebrand disease type 1. Last evaluated: 2021-12-09. Review status: criteria provided, single submitter. Criteria: ACMG Guidelines, 2015. Collection method: clinical testing. Allele origin: germline. Affected: yes. Observed: 1 variant allele, 1 heterozygote.
Comment: ACMG categories: PM1,PM2,PP3,PP4

Laboratory of Hematology, Radboud University Medical Center
Classification: Pathogenic for von Willebrand disease type 2. Last evaluated: 2020-12-10. Review status: criteria provided, single submitter. Criteria: ACMG Guidelines, 2015. Collection method: research. Allele origin: germline. Affected: yes. Observed: 1 variant allele. Study: WIN study.

Angelo Bianchi Bonomi Hemophilia and Thrombosis Center, Fondazione IRCCS Ca Granda Ospedale Maggiore Policlinico
Classification: Likely pathogenic for von Willebrand disease type 2. Last evaluated: 2022-04-26. Review status: no assertion criteria provided. Collection method: clinical testing. Allele origin: germline. Affected: yes. Not counted in ClinVar's aggregate classification.